The following is an entry in ClinVar:

NM_203447.4(DOCK8):c.3234+16A>C

Gene: DOCK8 (dedicator of cytokinesis 8; plus strand). Cytogenetic location: 9p24.3.
Variant type: single nucleotide variant.
Coding change: c.3234+16A>C on transcript NM_203447.4 (MANE Select); 16 bases into the intron after coding-DNA position 3234, A replaced by C.
Molecular consequence: intron variant.
Genome position (GRCh38, 1-based): chr9:399,275, A>C. VCF-style: chr9-399275-A-C. GRCh37 (hg19) VCF-style: chr9-399275-A-C.
Other names: c.3030+16A>C (NM_001193536.2); c.2934+16A>C (NM_001190458.2).
Identifiers: ClinVar variation 137146 (VCV000137146.11), dbSNP rs77395345, ClinGen allele CA290670.

ClinVar aggregate classification (germline): Benign. Review status: criteria provided, multiple submitters, no conflicts (2 of 4 stars). 3 submissions from 3 submitters: Benign (3). Last evaluated 2026-02-02.

Conditions:
Combined immunodeficiency due to DOCK8 deficiency (HIES2). Also called: HYPER-IgE SYNDROME 2, AUTOSOMAL RECESSIVE, WITH RECURRENT INFECTIONS; DOCK8 Deficiency; HIES autosomal recessive; HYPER-IgE RECURRENT INFECTION SYNDROME 2, AUTOSOMAL RECESSIVE; Hyper-IgE recurrent infection syndrome, autosomal recessive. Identifiers: Orphanet 217390, MedGen C4722305, MONDO:0009478, OMIM 243700.

Allele frequency attached by ClinVar (database versions not stated): gnomAD exomes 0.01120; ExAC 0.01430; 1000 Genomes Project 0.31490.

Submissions (3):

Labcorp Genetics (formerly Invitae), Labcorp
Classification: Benign for Combined immunodeficiency due to DOCK8 deficiency. Last evaluated: 2026-02-02. Review status: criteria provided, single submitter. Criteria: Invitae Variant Classification Sherloc (09022015). Collection method: clinical testing. Allele origin: germline.

GeneDx
Classification: Benign. Last evaluated: 2013-09-27. Review status: criteria provided, single submitter. Criteria: GeneDx Variant Classification (06012015). Collection method: clinical testing. Allele origin: germline. Affected: yes.
Comment: This variant is considered likely benign or benign based on one or more of the following criteria: it is a conservative change, it occurs at a poorly conserved position in the protein, it is predicted to be benign by multiple in silico algorithms, and/or has population frequency not consistent with disease.

Breakthrough Genomics
Classification: Benign. Review status: criteria provided, single submitter. Criteria: ACMG Guidelines, 2015. Collection method: not provided. Allele origin: germline. Inheritance: Autosomal recessive inheritance. Affected: yes.